The following is an entry in ClinVar:

NM_002615.7(SERPINF1):c.193C>A (p.Leu65Met)

Genes: SERPINF1 (serpin family F member 1; plus strand), LOC130059891 (ATAC-STARR-seq lymphoblastoid active region 11456; plus strand). Cytogenetic location: 17p13.3.
Variant type: single nucleotide variant.
Coding change: c.193C>A on transcript NM_002615.7 (MANE Select); coding-DNA position 193, C replaced by A.
Protein change: p.Leu65Met; replaces leucine 65 with methionine.
Molecular consequence: missense variant. On other transcripts: 5 prime UTR variant (1).
Genome position (GRCh38, 1-based): chr17:1,769,960, C>A. VCF-style: chr17-1769960-C-A. GRCh37 (hg19) VCF-style: chr17-1673254-C-A.
Other names: c.193C>A, p.Leu65Met (NM_001329903.2); c.-369C>A (NM_001329904.2); c.193C>A (NM_002615.5); short protein forms L65M.
Identifiers: ClinVar variation 1400665 (VCV001400665.6), dbSNP rs775101764, ClinGen allele CA8274565.
Genomic context (GRCh38, chr17:1,769,960, plus strand): 5'-CCTTTCTTCAAAGTCCCCGTGAACAAGCTGGCAGCGGCTGTCTCCAACTTCGGCTATGAC[C>A]TGTACCGGGTGCGATCCAGCACGAGCCCCACGACCAACGTGCTCCTGTCTCCTCTCAGTG-3'
Protein context (NP_002606.3, residues 55-75): AAAVSNFGYD[Leu65Met]YRVRSSTSPT

ClinVar aggregate classification (germline): Uncertain significance. Review status: criteria provided, multiple submitters, no conflicts (2 of 4 stars). 2 submissions from 2 submitters: Uncertain significance (2). Last evaluated 2025-11-03.

Conditions:
Inborn genetic diseases. Identifiers: MedGen C0950123, MeSH D030342.

Allele frequency attached by ClinVar (database versions not stated): gnomAD exomes below 0.00001; gnomAD 0.00004 and 0.00006; ExAC 0.00001.
gnomAD v4.1: 10 of 1,614,062 alleles (0.00062%); highest among the groups gnomAD compares: African/African-American, 0.013%; no homozygotes.

Submissions (2):

Ambry Genetics
Classification: Uncertain significance for Inborn genetic diseases. Last evaluated: 2025-11-03. Review status: criteria provided, single submitter. Criteria: Ambry Variant Classification Scheme 2023. Collection method: clinical testing. Allele origin: germline.

Labcorp Genetics (formerly Invitae), Labcorp
Classification: Uncertain significance. Last evaluated: 2021-04-29. Review status: criteria provided, single submitter. Criteria: Invitae Variant Classification Sherloc (09022015). Collection method: clinical testing. Allele origin: germline.
Comment: This sequence change replaces leucine with methionine at codon 65 of the SERPINF1 protein (p.Leu65Met). The leucine residue is highly conserved and there is a small physicochemical difference between leucine and methionine. This variant is present in population databases (rs775101764, ExAC 0.01%). This variant has not been reported in the literature in individuals with SERPINF1-related conditions. Algorithms developed to predict the effect of missense changes on protein structure and function are either unavailable or do not agree on the potential impact of this missense change (SIFT: "Not Available"; PolyPhen-2: "Probably Damaging"; Align-GVGD: "Not Available"). In summary, the available evidence is currently insufficient to determine the role of this variant in disease. Therefore, it has been classified as a Variant of Uncertain Significance.